The following is an entry in ClinVar:

NM_024537.4(CARS2):c.649_651del (p.Glu217del)

Gene: CARS2 (cysteinyl-tRNA synthetase 2, mitochondrial; minus strand). Cytogenetic location: 13q34.
Variant type: Deletion.
Coding change: c.649_651del on transcript NM_024537.4 (MANE Select); coding-DNA positions 649 to 651, 3 bases deleted (GAG; older notation c.649_651delGAG).
Protein change: p.Glu217del; deletes glutamic acid 217.
Molecular consequence: inframe deletion. On other transcripts: 5 prime UTR variant (1), non-coding transcript variant (2).
Genome position (GRCh38, 1-based): chr13:110,683,055-110,683,057, CTC deleted on the plus strand (GAG on the coding strand, the reverse complement: CARS2 is on the minus strand). VCF-style (leftmost placement, unchanged base first): chr13-110683054-GCTC-G. GRCh37 (hg19) VCF-style: chr13-111335401-GCTC-G.
Other names: c.-138_-136del (NM_001352252.2); c.649_651del, p.Glu217del (NM_001352253.3); c.649_651del (NM_024537.2); short protein forms E217del.
Identifiers: ClinVar variation 218177 (VCV000218177.30), dbSNP rs753472937, ClinGen allele CA210828.

ClinVar aggregate classification (germline): Conflicting classifications of pathogenicity. Review status: criteria provided, conflicting classifications (1 of 4 stars). 6 submissions from 6 submitters: Likely pathogenic (3); Uncertain significance (2). 1 of the submissions does not count toward it. Last evaluated 2025-11-25.

Conditions:
CARS2-related disorder. Also called: CARS2-related condition.
Combined oxidative phosphorylation defect type 27. Also called: Combined oxidative phosphorylation deficiency 27. Identifiers: Orphanet 477774, MedGen C5567608, MONDO:0014728, OMIM 616672.

Allele frequency attached by ClinVar (database versions not stated): gnomAD 0.00001; TOPMed 0.00001; ExAC 0.00002; gnomAD exomes 0.00002 and 0.00003.

Submissions (6):

GeneDx
Classification: Likely pathogenic. Last evaluated: 2025-11-25. Review status: criteria provided, single submitter. Criteria: GeneDx Variant Classification Process June 2021. Collection method: clinical testing. Allele origin: germline.
Comment: In-frame deletion of 1 amino acid in a non-repeat region; In silico analysis supports a deleterious effect on protein structure/function; Not observed at significant frequency in large population cohorts (gnomAD); This variant is associated with the following publications: (PMID: 34704010, 36553572, 25787132)

CeGaT Center for Human Genetics Tuebingen
Classification: Uncertain significance. Last evaluated: 2023-10-01. Review status: criteria provided, single submitter. Criteria: CeGaT Center For Human Genetics Tuebingen Variant Classification Criteria Version 2. Collection method: clinical testing. Allele origin: germline. Affected: yes. Observed: 1 variant allele.
Comment: CARS2: PM2, PM3, PM4:Supporting

Blueprint Genetics
Classification: Likely pathogenic for CARS2-related disorders. Last evaluated: 2023-04-17. Review status: criteria provided, single submitter. Criteria: ACMG Guidelines, 2015. Collection method: clinical testing. Allele origin: germline. Affected: yes. Observed: 3 variant alleles.

Labcorp Genetics (formerly Invitae), Labcorp
Classification: Uncertain significance for Combined oxidative phosphorylation defect type 27. Last evaluated: 2022-09-07. Review status: criteria provided, single submitter. Criteria: Invitae Variant Classification Sherloc (09022015). Collection method: clinical testing. Allele origin: germline.
Comment: This variant, c.649_651del, results in the deletion of 1 amino acid(s) of the CARS2 protein (p.Glu217del), but otherwise preserves the integrity of the reading frame. This variant is present in population databases (rs753472937, gnomAD 0.006%). This variant has been observed in individual(s) with clinical features of a CARS2-related condition (PMID: 25787132). Experimental studies and prediction algorithms are not available or were not evaluated, and the functional significance of this variant is currently unknown. In summary, the available evidence is currently insufficient to determine the role of this variant in disease. Therefore, it has been classified as a Variant of Uncertain Significance.

Institute of Human Genetics, University of Leipzig Medical Center
Classification: Likely pathogenic for Combined oxidative phosphorylation defect type 27. Last evaluated: 2021-04-15. Review status: criteria provided, single submitter. Criteria: ACMG Guidelines, 2015. Collection method: clinical testing. Allele origin: unknown. Affected: yes.
Comment: Criteria applied: PS3_MOD,PS4_MOD,PM4,PM2

OMIM
Classification: Pathogenic for COMBINED OXIDATIVE PHOSPHORYLATION DEFICIENCY 27. Last evaluated: 2015-03-18. Review status: no assertion criteria provided. Collection method: literature only. Allele origin: germline. Not counted in ClinVar's aggregate classification.

Literature cited by the submitters: PubMed 25787132 (cited by Labcorp Genetics (formerly Invitae), Labcorp and OMIM).